The following is an entry in ClinVar:

NM_002471.4(MYH6):c.4602G>C (p.Gln1534His)

Gene: MYH6 (myosin heavy chain 6; minus strand). Cytogenetic location: 14q11.2.
Variant type: single nucleotide variant.
Coding change: c.4602G>C on transcript NM_002471.4 (MANE Select); coding-DNA position 4602, G replaced by C.
Protein change: p.Gln1534His; replaces glutamine 1534 with histidine.
Molecular consequence: missense variant.
Genome position (GRCh38, 1-based): chr14:23,387,577, C>G on the plus strand (G>C on the coding strand, the complement: MYH6 is on the minus strand). VCF-style: chr14-23387577-C-G. GRCh37 (hg19) VCF-style: chr14-23856786-C-G.
Other names: short protein forms Q1534H.
Identifiers: ClinVar variation 537944 (VCV000537944.7), dbSNP rs199600772, ClinGen allele CA7114706.

ClinVar aggregate classification (germline): Uncertain significance. Review status: criteria provided, multiple submitters, no conflicts (2 of 4 stars). 2 submissions from 2 submitters: Uncertain significance (2). Last evaluated 2025-07-09.

Conditions:
Cardiovascular phenotype. Identifiers: MedGen CN230736.
Hypertrophic cardiomyopathy 14. Identifiers: MedGen C2750467, MONDO:0013197, OMIM 613251.

Allele frequency attached by ClinVar (database versions not stated): ExAC 0.00001; gnomAD 0.00001; TOPMed 0.00001; gnomAD exomes 0.00002.
gnomAD v4.1: 35 of 1,613,992 alleles (0.0022%); highest among the groups gnomAD compares: Non-Finnish European, 0.0025%; no homozygotes.

Submissions (2):

Ambry Genetics
Classification: Uncertain significance for Cardiovascular phenotype. Last evaluated: 2025-07-09. Review status: criteria provided, single submitter. Criteria: Ambry Variant Classification Scheme 2023. Collection method: clinical testing. Allele origin: germline.
Comment: The p.Q1534H variant (also known as c.4602G>C), located in coding exon 30 of the MYH6 gene, results from a G to C substitution at nucleotide position 4602. The glutamine at codon 1534 is replaced by histidine, an amino acid with highly similar properties. This alteration has been reported in a hypertrophic cardiomyopathy (HCM) cohort and dilated cardiomyopathy (DCM) cohorts; however, clinical details were limited and additional alterations in other cardiac-related genes were identified in some cases (Lopes LR et al. Heart, 2015 Feb;101:294-301; Gaertner A et al. Hum Mutat, 2020 11;41:1931-1943; Verdonschot JAJ et al. Circ Genom Precis Med, 2020 10;13:476-487). This amino acid position is well conserved in available vertebrate species. In addition, the in silico prediction for this alteration is inconclusive. Based on the available evidence, the clinical significance of this variant remains unclear.

Labcorp Genetics (formerly Invitae), Labcorp
Classification: Uncertain significance for Hypertrophic cardiomyopathy 14. Last evaluated: 2021-12-18. Review status: criteria provided, single submitter. Criteria: Invitae Variant Classification Sherloc (09022015). Collection method: clinical testing. Allele origin: germline.
Comment: This sequence change replaces glutamine, which is neutral and polar, with histidine, which is basic and polar, at codon 1534 of the MYH6 protein (p.Gln1534His). This variant is present in population databases (rs199600772, gnomAD 0.004%). This missense change has been observed in individual(s) with dilated cardiomyopathy (PMID: 32880476). ClinVar contains an entry for this variant (Variation ID: 537944). Algorithms developed to predict the effect of missense changes on protein structure and function are either unavailable or do not agree on the potential impact of this missense change (SIFT: "Tolerated"; PolyPhen-2: "Probably Damaging"; Align-GVGD: "Class C0"). In summary, the available evidence is currently insufficient to determine the role of this variant in disease. Therefore, it has been classified as a Variant of Uncertain Significance.

Literature cited by the submitters: PubMed 25351510 (cited by Ambry Genetics); PubMed 32840935 (cited by Ambry Genetics); PubMed 32880476 (cited by Ambry Genetics and Labcorp Genetics (formerly Invitae), Labcorp).